The following is an entry in ClinVar:

NM_003072.5(SMARCA4):c.860-4C>G

Gene: SMARCA4 (SWI/SNF related BAF chromatin remodeling complex subunit ATPase 4; plus strand). Cytogenetic location: 19p13.2.
Variant type: single nucleotide variant.
Coding change: c.860-4C>G on transcript NM_003072.5 (MANE Select); 4 bases into the intron before coding-DNA position 860, C replaced by G.
Molecular consequence: intron variant.
Genome position (GRCh38, 1-based): chr19:10,987,662, C>G. VCF-style: chr19-10987662-C-G. GRCh37 (hg19) VCF-style: chr19-11098338-C-G.
Other names: c.860-4C>G (NM_001128844.3, NM_001128849.3, NM_001128847.4 and 6 more transcripts).
Identifiers: ClinVar variation 2587103 (VCV002587103.5), dbSNP rs1555754744, ClinGen allele CA2582342349.

ClinVar aggregate classification (germline): Conflicting classifications of pathogenicity. Review status: criteria provided, conflicting classifications (1 of 4 stars). 2 submissions from 2 submitters: Uncertain significance (1); Likely benign (1). Last evaluated 2023-06-15.

Conditions:
Hereditary cancer-predisposing syndrome. Also called: Tumor predisposition; Hereditary Cancer Syndrome; Hereditary neoplastic syndrome; Neoplastic Syndromes, Hereditary. Identifiers: Orphanet 140162, MedGen C0027672, MeSH D009386, MONDO:0015356.
Rhabdoid tumor predisposition syndrome 2 (RTPS2). Identifiers: Orphanet 231108, Orphanet 69077, MedGen C2750074, MONDO:0013224, OMIM 613325.

Submissions (2):

Ambry Genetics
Classification: Likely benign for Hereditary cancer-predisposing syndrome. Last evaluated: 2023-06-15. Review status: criteria provided, single submitter. Criteria: Ambry Variant Classification Scheme 2023. Collection method: clinical testing. Allele origin: germline.

Labcorp Genetics (formerly Invitae), Labcorp
Classification: Uncertain significance for Rhabdoid tumor predisposition syndrome 2. Last evaluated: 2023-06-04. Review status: criteria provided, single submitter. Criteria: Invitae Variant Classification Sherloc (09022015). Collection method: clinical testing. Allele origin: germline.
Comment: This variant is not present in population databases (gnomAD no frequency). This sequence change falls in intron 5 of the SMARCA4 gene. It does not directly change the encoded amino acid sequence of the SMARCA4 protein. This variant has not been reported in the literature in individuals affected with SMARCA4-related conditions. In summary, the available evidence is currently insufficient to determine the role of this variant in disease. Therefore, it has been classified as a Variant of Uncertain Significance. Algorithms developed to predict the effect of sequence changes on RNA splicing suggest that this variant may disrupt the consensus splice site.